The following is an entry in ClinVar:

NM_001273.5(CHD4):c.751C>T (p.Pro251Ser)

Gene: CHD4 (chromodomain helicase DNA binding protein 4; minus strand). Cytogenetic location: 12p13.31.
Variant type: single nucleotide variant.
Coding change: c.751C>T on transcript NM_001273.5 (MANE Select); coding-DNA position 751, C replaced by T.
Protein change: p.Pro251Ser; replaces proline 251 with serine.
Molecular consequence: missense variant.
Genome position (GRCh38, 1-based): chr12:6,601,337, G>A on the plus strand (C>T on the coding strand, the complement: CHD4 is on the minus strand). VCF-style: chr12-6601337-G-A. GRCh37 (hg19) VCF-style: chr12-6710503-G-A.
Other names: c.730C>T, p.Pro244Ser (NM_001297553.2); c.751C>T, p.Pro251Ser (NM_001363606.2); short protein forms P244S, P251S.
Identifiers: ClinVar variation 5017699 (VCV005017699.1).

ClinVar aggregate classification (germline): Uncertain significance (1 of 4 stars; one submission).

Submission:

GeneDx
Classification: Uncertain significance. Last evaluated: 2026-03-26. Review status: criteria provided, single submitter. Criteria: GeneDx Variant Classification Process June 2021. Collection method: clinical testing. Allele origin: germline.
Comment: Not observed at significant frequency in large population cohorts (gnomAD); In silico analysis supports that this missense variant has a deleterious effect on protein structure/function; Has not been previously published as pathogenic or benign to our knowledge